The following is an entry in ClinVar:

NM_018367.7(ACER3):c.98A>G (p.Glu33Gly)

Gene: ACER3 (alkaline ceramidase 3; plus strand). Cytogenetic location: 11q13.5.
Variant type: single nucleotide variant.
Coding change: c.98A>G on transcript NM_018367.7 (MANE Select); coding-DNA position 98, A replaced by G.
Protein change: p.Glu33Gly; replaces glutamic acid 33 with glycine.
Molecular consequence: missense variant. On other transcripts: 5 prime UTR variant (2).
Genome position (GRCh38, 1-based): chr11:76,861,074, A>G. VCF-style: chr11-76861074-A-G. GRCh37 (hg19) VCF-style: chr11-76572118-A-G.
Other names: c.98A>G, p.Glu33Gly (NM_001300953.2); c.-259A>G (NM_001300954.2); c.-135A>G (NM_001300955.2); short protein forms E33G.
Identifiers: ClinVar variation 446204 (VCV000446204.8), dbSNP rs1554988032, ClinGen allele CA381981333.
Genomic context (GRCh38, chr11:76,861,074, plus strand): 5'-CCACGACCTCCACGCTGGACTGGTGCGAGGAGAACTACTCCGTGACCTGGTACATCGCCG[A>G]GTTCTGTGAGTGTGGCCTGAGGAGGGGAGTGGGGGCGAGAGGGCACCGGGCTGAGGAGAC-3'
Protein context (NP_060837.3, residues 23-43): ENYSVTWYIA[Glu33Gly]FWNTVSNLIM

ClinVar aggregate classification (germline): Uncertain significance. Review status: criteria provided, single submitter (1 of 4 stars). 2 submissions from 2 submitters: Uncertain significance (1). 1 of the submissions does not count toward it. Last evaluated 2021-12-03.

Conditions:
Alkaline ceramidase 3 deficiency. Also called: LEUKODYSTROPHY, PROGRESSIVE, EARLY CHILDHOOD-ONSET. Identifiers: Orphanet 502444, MedGen C4540358, MONDO:0044718, OMIM 617762.

Allele frequency attached by ClinVar (database versions not stated): TOPMed 0.00001.

Submissions (2):

Labcorp Genetics (formerly Invitae), Labcorp
Classification: Uncertain significance. Last evaluated: 2021-12-03. Review status: criteria provided, single submitter. Criteria: Invitae Variant Classification Sherloc (09022015). Collection method: clinical testing. Allele origin: germline.
Comment: In summary, the available evidence is currently insufficient to determine the role of this variant in disease. Therefore, it has been classified as a Variant of Uncertain Significance. Experimental studies have shown that this missense change affects ACER3 function (PMID: 26792856, 30575723). Algorithms developed to predict the effect of missense changes on protein structure and function are either unavailable or do not agree on the potential impact of this missense change (SIFT: "Deleterious"; PolyPhen-2: "Probably Damaging"; Align-GVGD: "Class C0"). ClinVar contains an entry for this variant (Variation ID: 446204). This missense change has been observed in individual(s) with childhood onset progressive leukodystrophy (PMID: 26792856). It has also been observed to segregate with disease in related individuals. This variant is not present in population databases (gnomAD no frequency). This sequence change replaces glutamic acid, which is acidic and polar, with glycine, which is neutral and non-polar, at codon 33 of the ACER3 protein (p.Glu33Gly).

OMIM
Classification: Pathogenic for LEUKODYSTROPHY, PROGRESSIVE, EARLY CHILDHOOD-ONSET (1 family). Last evaluated: 2017-11-10. Review status: no assertion criteria provided. Collection method: literature only. Allele origin: germline. Not counted in ClinVar's aggregate classification.

Literature cited by the submitters: PubMed 26792856 (cited by Labcorp Genetics (formerly Invitae), Labcorp and OMIM); PubMed 30575723 (cited by Labcorp Genetics (formerly Invitae), Labcorp).